The following is an entry in ClinVar:

ClinVar aggregate classification (germline): Uncertain significance. Review status: criteria provided, multiple submitters, no conflicts (2 of 4 stars). 3 submissions from 3 submitters: Uncertain significance (3). Last evaluated 2024-12-13.

Conditions:
Autosomal dominant Alport syndrome (ATS3A). Also called: ALPORT SYNDROME 3A, AUTOSOMAL DOMINANT; Alport syndrome dominant type; Renal failure and sensorineural hearing loss. Identifiers: Orphanet 63, Orphanet 88918, MedGen C5882663, MONDO:0007086, OMIM 104200.
Autosomal recessive Alport syndrome (ATS2). Also called: Alport syndrome type 2; COL4A3-Related Nephropathy; ALPORT SYNDROME 2, AUTOSOMAL RECESSIVE; COL4A4 Alport Syndrome and Thin Basement Membrane Nephropathy. Identifiers: Orphanet 63, Orphanet 88919, MedGen C4746745, MONDO:0008762, OMIM 203780.
Benign familial hematuria. Also called: thin basement membrane disease. Identifiers: MedGen C0241908, MONDO:0957317.

Allele frequency attached by ClinVar (database versions not stated): gnomAD 0.00001; gnomAD exomes 0.00001 and 0.00002; TOPMed 0.00002; ExAC 0.00003.
gnomAD v4.1: 23 of 1,613,174 alleles (0.0014%); highest among the groups gnomAD compares: South Asian, 0.0077%; no homozygotes.

Submissions (3):

Women's Health and Genetics/Laboratory Corporation of America, LabCorp
Classification: Uncertain significance. Last evaluated: 2024-12-13. Review status: criteria provided, single submitter. Criteria: LabCorp Variant Classification Summary - May 2015. Collection method: clinical testing. Allele origin: germline.

Fulgent Genetics
Classification: Uncertain significance for Autosomal dominant Alport syndrome; Hematuria, benign familial, 1; Autosomal recessive Alport syndrome. Last evaluated: 2022-03-10. Review status: criteria provided, single submitter. Criteria: ACMG Guidelines, 2015. Collection method: clinical testing. Allele origin: unknown.

Labcorp Genetics (formerly Invitae), Labcorp
Classification: Uncertain significance. Last evaluated: 2021-09-30. Review status: criteria provided, single submitter. Criteria: Invitae Variant Classification Sherloc (09022015). Collection method: clinical testing. Allele origin: germline.
Comment: This sequence change affects codon 642 of the COL4A3 mRNA. It is a 'silent' change, meaning that it does not change the encoded amino acid sequence of the COL4A3 protein. This variant is present in population databases (rs758586879, ExAC 0.02%). This variant has not been reported in the literature in individuals with COL4A3-related disease. Algorithms developed to predict the effect of sequence changes on RNA splicing suggest that this variant is not likely to affect RNA splicing, but this prediction has not been confirmed by published transcriptional studies. In summary, the available evidence is currently insufficient to determine the role of this variant in disease. Therefore, it has been classified as a Variant of Uncertain Significance.

NM_000091.5(COL4A3):c.1926C>T (p.Ala642=)

Genes: COL4A3 (collagen type IV alpha 3 chain; plus strand), MFF-DT (MFF divergent transcript; minus strand). Cytogenetic location: 2q36.3.
Variant type: single nucleotide variant.
Coding change: c.1926C>T on transcript NM_000091.5 (MANE Select); coding-DNA position 1926, C replaced by T.
Protein change: p.Ala642=; no amino-acid change (alanine 642 retained).
Molecular consequence: synonymous variant.
Genome position (GRCh38, 1-based): chr2:227,273,116, C>T. VCF-style: chr2-227273116-C-T. GRCh37 (hg19) VCF-style: chr2-228137832-C-T.
Identifiers: ClinVar variation 1421447 (VCV001421447.7), dbSNP rs758586879, ClinGen allele CA2146788.
Genomic context (GRCh38, chr2:227,273,116, plus strand): 5'-AGAACCTGGTCTCCAGGGCACGCAAGGAGTTCCTGGAGCCCCCGGACCACCCGGAGAAGC[C>T]GGTTGGTTAGTTTTCTTTCCAGTCCTGTTTTCCGATGGAGTGGGTTGATGGTTTCTAGAG-3'
Protein context (NP_000082.2, residues 632-652): VPGAPGPPGE[Ala642=]GPRGELSVST